The following is an entry in ClinVar:

NM_002343.6(LTF):c.882G>A (p.Gln294=)

Gene: LTF (lactotransferrin; minus strand). Cytogenetic location: 3p21.31.
Variant type: single nucleotide variant.
Coding change: c.882G>A on transcript NM_002343.6 (MANE Select); coding-DNA position 882, G replaced by A.
Protein change: p.Gln294=; no amino-acid change (glutamine 294 retained).
Molecular consequence: synonymous variant.
Genome position (GRCh38, 1-based): chr3:46,450,495, C>T on the plus strand (G>A on the coding strand, the complement: LTF is on the minus strand). VCF-style: chr3-46450495-C-T. GRCh37 (hg19) VCF-style: chr3-46491985-C-T.
Other names: NC_000003.11:g.46491985C>T; c.750G>A, p.Gln250= (NM_001199149.2); c.882G>A, p.Gln294= (NM_001321121.2); c.843G>A, p.Gln281= (NM_001321122.2).
Identifiers: ClinVar variation 2653734 (VCV002653734.25), dbSNP rs61740470, ClinGen allele CA2355533.

ClinVar aggregate classification (germline): Benign (1 of 4 stars; one submission).

Allele frequency attached by ClinVar (database versions not stated): 1000 Genomes Project 30x 0.00453; 1000 Genomes Project 0.00459; ESP Exome Variant Server 0.00631; gnomAD 0.00731; TOPMed 0.00830; gnomAD exomes 0.00923; ExAC 0.01143.
gnomAD v4.1: 14,538 of 1,608,650 alleles (0.9%); highest among the groups gnomAD compares: Middle Eastern, 2.2%; 96 homozygotes.

Submissions (13):

CeGaT Center for Human Genetics Tuebingen
Classification: Benign. Last evaluated: 2023-01-01. Review status: criteria provided, single submitter. Criteria: CeGaT Center For Human Genetics Tuebingen Variant Classification Criteria Version 2. Collection method: clinical testing. Allele origin: germline. Affected: yes. Observed: 1 variant allele.
Comment: LTF: BS1, BS2

Dr. Peter K. Rogan Lab, Western University
No classification provided (evidence only). Condition: Clear cell carcinoma of kidney. Review status: no classification provided. Collection method: in vitro. Allele origin: not applicable. Functional consequence: skipped exon. Not counted in ClinVar's aggregate classification.

Dr. Peter K. Rogan Lab, Western University
No classification provided (evidence only). Condition: Lung cancer. Review status: no classification provided. Collection method: in vitro. Allele origin: not applicable. Functional consequence: skipped exon. Not counted in ClinVar's aggregate classification.

Dr. Peter K. Rogan Lab, Western University
No classification provided (evidence only). Condition: Lung cancer. Review status: no classification provided. Collection method: in vitro. Allele origin: not applicable. Functional consequence: skipped exon. Not counted in ClinVar's aggregate classification.

Dr. Peter K. Rogan Lab, Western University
No classification provided (evidence only). Condition: Lung cancer. Review status: no classification provided. Collection method: in vitro. Allele origin: not applicable. Functional consequence: skipped exon. Not counted in ClinVar's aggregate classification.

Dr. Peter K. Rogan Lab, Western University
No classification provided (evidence only). Condition: Colorectal cancer. Review status: no classification provided. Collection method: in vitro. Allele origin: not applicable. Functional consequence: skipped exon. Not counted in ClinVar's aggregate classification.

Dr. Peter K. Rogan Lab, Western University
No classification provided (evidence only). Condition: Uterine corpus endometrial carcinoma. Review status: no classification provided. Collection method: in vitro. Allele origin: not applicable. Functional consequence: skipped exon, retained intron. Not counted in ClinVar's aggregate classification.

Dr. Peter K. Rogan Lab, Western University
No classification provided (evidence only). Condition: Uterine corpus endometrial carcinoma. Review status: no classification provided. Collection method: in vitro. Allele origin: not applicable. Functional consequence: skipped exon. Not counted in ClinVar's aggregate classification.

Dr. Peter K. Rogan Lab, Western University
No classification provided (evidence only). Condition: Sarcoma. Review status: no classification provided. Collection method: in vitro. Allele origin: not applicable. Functional consequence: skipped exon. Not counted in ClinVar's aggregate classification.

Dr. Peter K. Rogan Lab, Western University
No classification provided (evidence only). Condition: Nonpapillary renal cell carcinoma. Review status: no classification provided. Collection method: in vitro. Allele origin: not applicable. Functional consequence: skipped exon. Not counted in ClinVar's aggregate classification.

Dr. Peter K. Rogan Lab, Western University
No classification provided (evidence only). Condition: Chronic lymphocytic leukemia/small lymphocytic lymphoma. Review status: no classification provided. Collection method: in vitro. Allele origin: not applicable. Functional consequence: skipped exon. Not counted in ClinVar's aggregate classification.

Dr. Peter K. Rogan Lab, Western University
No classification provided (evidence only). Condition: Chronic lymphocytic leukemia/small lymphocytic lymphoma. Review status: no classification provided. Collection method: in vitro. Allele origin: not applicable. Functional consequence: skipped exon. Not counted in ClinVar's aggregate classification.

Dr. Peter K. Rogan Lab, Western University
No classification provided (evidence only). Condition: Familial pancreatic carcinoma. Review status: no classification provided. Collection method: in vitro. Allele origin: not applicable. Functional consequence: skipped exon. Not counted in ClinVar's aggregate classification.